The following is an entry in ClinVar:

NM_006206.6(PDGFRA):c.2965A>G (p.Ile989Val)

Gene: PDGFRA (platelet derived growth factor receptor alpha; plus strand). Cytogenetic location: 4q12.
Variant type: single nucleotide variant.
Coding change: c.2965A>G on transcript NM_006206.6 (MANE Select); coding-DNA position 2965, A replaced by G.
Protein change: p.Ile989Val; replaces isoleucine 989 with valine.
Molecular consequence: missense variant.
Genome position (GRCh38, 1-based): chr4:54,290,397, A>G. VCF-style: chr4-54290397-A-G. GRCh37 (hg19) VCF-style: chr4-55156564-A-G.
Other names: c.2965A>G (NM_006206.5); c.3040A>G, p.Ile1014Val (NM_001347828.2); c.2965A>G, p.Ile989Val (NM_001347829.2); c.3004A>G, p.Ile1002Val (NM_001347830.2); short protein forms I989V, I1014V, I1002V.
Identifiers: ClinVar variation 407398 (VCV000407398.28), dbSNP rs145019788, ClinGen allele CA2923003.

ClinVar aggregate classification (germline): Conflicting classifications of pathogenicity. Review status: criteria provided, conflicting classifications (1 of 4 stars). 5 submissions from 5 submitters: Uncertain significance (4); Benign (1). Last evaluated 2025-10-01.

Conditions:
Polyps, multiple and recurrent inflammatory fibroid, gastrointestinal. Identifiers: MedGen C5193005, MONDO:0008285, OMIM 175510.
Gastrointestinal stromal tumor. Also called: Gastrointestinal stromal tumor, somatic; Gastrointestinal stroma tumor. Identifiers: Orphanet 44890, MedGen C0238198, MeSH D046152, MONDO:0011719, OMIM 606764, HP:0100723.
Idiopathic hypereosinophilic syndrome (HES). Identifiers: Orphanet 3260, MedGen C0206141, MONDO:0011895, OMIM 607685. Disease mechanism: gain of function.
Hereditary cancer-predisposing syndrome. Also called: Neoplastic Syndromes, Hereditary; Hereditary Cancer Syndrome; Hereditary neoplastic syndrome; Tumor predisposition. Identifiers: Orphanet 140162, MedGen C0027672, MeSH D009386, MONDO:0015356.

Allele frequency attached by ClinVar (database versions not stated): TOPMed 0.00008; gnomAD 0.00011; ESP Exome Variant Server 0.00015.
gnomAD v4.1: 41 of 1,613,656 alleles (0.0025%); highest among the groups gnomAD compares: African/African-American, 0.031%; no homozygotes.

Submissions (5):

Labcorp Genetics (formerly Invitae), Labcorp
Classification: Uncertain significance for Gastrointestinal stromal tumor. Last evaluated: 2025-10-01. Review status: criteria provided, single submitter. Criteria: Invitae Variant Classification Sherloc (09022015). Collection method: clinical testing. Allele origin: germline.
Comment: This sequence change replaces isoleucine, which is neutral and non-polar, with valine, which is neutral and non-polar, at codon 989 of the PDGFRA protein (p.Ile989Val). This variant is present in population databases (rs145019788, gnomAD 0.04%). This variant has not been reported in the literature in individuals affected with PDGFRA-related conditions. ClinVar contains an entry for this variant (Variation ID: 407398). Invitae Evidence Modeling of protein sequence and biophysical properties (such as structural, functional, and spatial information, amino acid conservation, physicochemical variation, residue mobility, and thermodynamic stability) indicates that this missense variant is not expected to disrupt PDGFRA protein function with a negative predictive value of 80%. In summary, the available evidence is currently insufficient to determine the role of this variant in disease. Therefore, it has been classified as a Variant of Uncertain Significance.

GeneDx
Classification: Uncertain significance. Last evaluated: 2024-03-10. Review status: criteria provided, single submitter. Criteria: GeneDx Variant Classification Process June 2021. Collection method: clinical testing. Allele origin: germline. Affected: yes.
Comment: In silico analysis supports that this missense variant does not alter protein structure/function; Has not been previously published as pathogenic or benign to our knowledge; This variant is associated with the following publications: (PMID: 30181556, 25801821)

St. Jude Molecular Pathology, St. Jude Children's Research Hospital
Classification: Uncertain significance for Polyps, multiple and recurrent inflammatory fibroid, gastrointestinal. Last evaluated: 2022-11-02. Review status: criteria provided, single submitter. Criteria: St. Jude Assertion Criteria 2020. Collection method: clinical testing. Allele origin: germline.
Comment: The PDGFRA c.2965A>G (p.Ile989Val) missense change has a maximum subpopulation frequency of 0.036% in gnomAD v2.1.1. The in silico tool REVEL predicts a benign effect on protein function, but to our knowledge this prediction has not been confirmed by functional studies. To our knowledge, this variant has not been reported in individuals with PDGFRA-related conditions. In summary, the evidence currently available is insufficient to determine the clinical significance of this variant. It has therefore been classified as of uncertain significance.

Ambry Genetics
Classification: Benign for Hereditary cancer-predisposing syndrome. Last evaluated: 2022-05-25. Review status: criteria provided, single submitter. Criteria: Ambry Variant Classification Scheme 2023. Collection method: clinical testing. Allele origin: germline.

Fulgent Genetics
Classification: Uncertain significance for Gastrointestinal stromal tumor; Idiopathic hypereosinophilic syndrome. Last evaluated: 2018-10-31. Review status: criteria provided, single submitter. Criteria: ACMG Guidelines, 2015. Collection method: clinical testing. Allele origin: unknown.